The following is an entry in ClinVar:

ClinVar aggregate classification (germline): Likely pathogenic (1 of 4 stars; one submission).

Conditions:
TBX5-related disorder. Also called: TBX5-related condition.

Submission:

PreventionGenetics, part of Exact Sciences
Classification: Likely pathogenic for TBX5-related condition. Last evaluated: 2026-01-11. Review status: criteria provided, single submitter. Criteria: ACMG Guidelines, 2015. Collection method: clinical testing. Allele origin: germline.
Comment: The TBX5 c.889_890delGT variant is predicted to result in a frameshift and premature protein termination (p.Val297Phefs*21). To our knowledge, this variant has not been reported in the literature or in a large population database (gnomAD), indicating this variant is rare. Frameshift variants in TBX5 are expected to be pathogenic. This variant is interpreted as likely pathogenic.

NM_181486.4(TBX5):c.889_890del (p.Val297fs)

Gene: TBX5 (T-box transcription factor 5; minus strand). Cytogenetic location: 12q24.21.
Variant type: Microsatellite.
Coding change: c.889_890del on transcript NM_181486.4 (MANE Select); coding-DNA positions 889 to 890, 2 bases deleted (GT; older notation c.889_890delGT).
Protein change: p.Val297fs; shifts the reading frame from valine 297.
Molecular consequence: frameshift variant.
Genome position (GRCh38, 1-based): chr12:114,366,257-114,366,258, AC deleted on the plus strand (GT on the coding strand, the reverse complement: TBX5 is on the minus strand); deleting any 2 consecutive bases within chr12:114,366,257-114,366,260 gives the same sequence; the c. name uses the placement nearest the transcript's 3' end. VCF-style (leftmost placement, unchanged base first): chr12-114366256-AAC-A. GRCh37 (hg19) VCF-style: chr12-114804061-AAC-A.
Other names: c.889_890delGT (NM_000192.3); c.889_890del, p.Val297fs (NM_000192.3); c.739_740del, p.Val247fs (NM_080717.4); short protein forms V247fs, V297fs.
Identifiers: ClinVar variation 4991233 (VCV004991233.1).